The following is an entry in ClinVar:

NM_001267550.2(TTN):c.103598A>G (p.Glu34533Gly)

Genes: TTN-AS1 (TTN antisense RNA 1; plus strand), TTN (titin; minus strand). Cytogenetic location: 2q31.2.
Variant type: single nucleotide variant.
Coding change: c.103598A>G on transcript NM_001267550.2 (MANE Select); coding-DNA position 103598, A replaced by G.
Protein change: p.Glu34533Gly; replaces glutamic acid 34533 with glycine.
Molecular consequence: missense variant.
Genome position (GRCh38, 1-based): chr2:178,533,017, T>C on the plus strand (A>G on the coding strand, the complement: TTN is on the minus strand). VCF-style: chr2-178533017-T-C. GRCh37 (hg19) VCF-style: chr2-179397744-T-C.
Other names: c.98675A>G, p.Glu32892Gly (NM_001256850.1); c.76403A>G, p.Glu25468Gly (NM_003319.4); c.95894A>G, p.Glu31965Gly (NM_133378.4); c.76778A>G, p.Glu25593Gly (NM_133432.3); c.76979A>G, p.Glu25660Gly (NM_133437.4); short protein forms E34533G, E25660G, E25468G, E25593G, E31965G, E32892G.
Identifiers: ClinVar variation 466717 (VCV000466717.9), dbSNP rs1484143627, ClinGen allele CA349413926.

ClinVar aggregate classification (germline): Uncertain significance (1 of 4 stars; one submission).

Conditions:
Autosomal recessive limb-girdle muscular dystrophy type 2J (LGMDR10). Also called: Limb-girdle muscular dystrophy, type 2J; MUSCULAR DYSTROPHY, LIMB-GIRDLE, AUTOSOMAL RECESSIVE 10. Identifiers: Orphanet 140922, MedGen C1837342, MONDO:0012127, OMIM 608807.
Dilated cardiomyopathy 1G (CMD1G). Identifiers: Orphanet 154, MedGen C1858763, MONDO:0011400, OMIM 604145.

Allele frequency attached by ClinVar (database versions not stated): gnomAD exomes below 0.00001.
gnomAD v4.1: 4 of 1,613,870 alleles (0.00025%); highest among the groups gnomAD compares: Non-Finnish European, 0.00034%; no homozygotes.

Submission:

Labcorp Genetics (formerly Invitae), Labcorp
Classification: Uncertain significance for Dilated cardiomyopathy 1G; Autosomal recessive limb-girdle muscular dystrophy type 2J. Last evaluated: 2023-03-14. Review status: criteria provided, single submitter. Criteria: Invitae Variant Classification Sherloc (09022015). Collection method: clinical testing. Allele origin: germline.
Comment: Experimental studies and prediction algorithms are not available or were not evaluated, and the functional significance of this variant is currently unknown. In summary, the available evidence is currently insufficient to determine the role of this variant in disease. Therefore, it has been classified as a Variant of Uncertain Significance. This variant is located in the M band of TTN (PMID: 25589632). Variants in this region may be relevant for neuromuscular disorders, but have not been definitively shown to cause cardiomyopathy (PMID: 23975875). ClinVar contains an entry for this variant (Variation ID: 466717). This variant has not been reported in the literature in individuals affected with TTN-related conditions. This variant is present in population databases (no rsID available, gnomAD 0.0009%). This sequence change replaces glutamic acid, which is acidic and polar, with glycine, which is neutral and non-polar, at codon 34533 of the TTN protein (p.Glu34533Gly).

Literature cited by the submitters: PubMed 25589632; PubMed 23975875.